The following is an entry in ClinVar:

NM_012330.4(KAT6B):c.3899C>T (p.Thr1300Ile)

Gene: KAT6B (lysine acetyltransferase 6B; plus strand). Cytogenetic location: 10q22.2.
Variant type: single nucleotide variant.
Coding change: c.3899C>T on transcript NM_012330.4 (MANE Select); coding-DNA position 3899, C replaced by T.
Protein change: p.Thr1300Ile; replaces threonine 1300 with isoleucine.
Molecular consequence: missense variant.
Genome position (GRCh38, 1-based): chr10:75,028,723, C>T. VCF-style: chr10-75028723-C-T. GRCh37 (hg19) VCF-style: chr10-76788481-C-T.
Other names: c.3350C>T, p.Thr1117Ile (NM_001256468.2, NM_001370138.1); c.3023C>T, p.Thr1008Ile (NM_001256469.2, NM_001370139.1, NM_001370140.1 and 2 more transcripts); c.2861C>T, p.Thr954Ile (NM_001370132.1); c.2210C>T, p.Thr737Ile (NM_001370133.1); c.1814C>T, p.Thr605Ile (NM_001370134.1); c.1556C>T, p.Thr519Ile (NM_001370135.1); c.3899C>T, p.Thr1300Ile (NM_001370136.1, NM_001370137.1); c.2834C>T, p.Thr945Ile (NM_001370143.1, NM_001370144.1); short protein forms T737I, T945I, T1008I, T1117I, T1300I, T519I, T605I, T954I.
Identifiers: ClinVar variation 4041150 (VCV004041150.2).

ClinVar aggregate classification (germline): Uncertain significance. Review status: criteria provided, multiple submitters, no conflicts (2 of 4 stars). 2 submissions from 2 submitters: Uncertain significance (2). Last evaluated 2026-01-27.

Conditions:
Genitopatellar syndrome (GTPTS). Also called: ABSENT PATELLAE, SCROTAL HYPOPLASIA, RENAL ANOMALIES, FACIAL DYSMORPHISM, AND MENTAL RETARDATION; Genitopatellar syndrome (GPS). Identifiers: Orphanet 85201, MedGen C1853566, MONDO:0011640, OMIM 606170.
Inborn genetic diseases. Identifiers: MedGen C0950123, MeSH D030342.

Submissions (2):

Labcorp Genetics (formerly Invitae), Labcorp
Classification: Uncertain significance for Genitopatellar syndrome. Last evaluated: 2026-01-27. Review status: criteria provided, single submitter. Criteria: Invitae Variant Classification Sherloc (09022015). Collection method: clinical testing. Allele origin: germline.
Comment: This sequence change replaces threonine, which is neutral and polar, with isoleucine, which is neutral and non-polar, at codon 1300 of the KAT6B protein (p.Thr1300Ile). This variant is not present in population databases (gnomAD no frequency). This variant has not been reported in the literature in individuals affected with KAT6B-related conditions. ClinVar contains an entry for this variant (Variation ID: 4041150). Invitae Evidence Modeling of protein sequence and biophysical properties (such as structural, functional, and spatial information, amino acid conservation, physicochemical variation, residue mobility, and thermodynamic stability) indicates that this missense variant is not expected to disrupt KAT6B protein function with a negative predictive value of 80%. In summary, the available evidence is currently insufficient to determine the role of this variant in disease. Therefore, it has been classified as a Variant of Uncertain Significance.

Ambry Genetics
Classification: Uncertain significance for Inborn genetic diseases. Last evaluated: 2025-04-11. Review status: criteria provided, single submitter. Criteria: Ambry Variant Classification Scheme 2023. Collection method: clinical testing. Allele origin: germline.